The following is an entry in ClinVar:

NM_003482.4(KMT2D):c.448T>C (p.Trp150Arg)

Gene: KMT2D (lysine methyltransferase 2D; minus strand). Cytogenetic location: 12q13.12.
Variant type: single nucleotide variant.
Coding change: c.448T>C on transcript NM_003482.4 (MANE Select); coding-DNA position 448, T replaced by C.
Protein change: p.Trp150Arg; replaces tryptophan 150 with arginine.
Molecular consequence: missense variant.
Genome position (GRCh38, 1-based): chr12:49,054,369, A>G on the plus strand (T>C on the coding strand, the complement: KMT2D is on the minus strand). VCF-style: chr12-49054369-A-G. GRCh37 (hg19) VCF-style: chr12-49448152-A-G.
Other names: short protein forms W150R.
Identifiers: ClinVar variation 1328845 (VCV001328845.5), dbSNP rs764606893, ClinGen allele CA6548729.

ClinVar aggregate classification (germline): Conflicting classifications of pathogenicity. Review status: criteria provided, conflicting classifications (1 of 4 stars). 3 submissions from 3 submitters: Uncertain significance (2); Benign (1). Last evaluated 2024-06-17.

Conditions:
Choanal atresia-athelia-hypothyroidism-delayed puberty-short stature syndrome (BCAHH). Also called: BRANCHIAL ARCH ABNORMALITIES, CHOANAL ATRESIA, ATHELIA, HEARING LOSS, AND HYPOTHYROIDISM SYNDROME. Identifiers: Orphanet 589856, MedGen C5680310, MONDO:0035651, OMIM 620186.
Kabuki syndrome 1 (KABUK1). Also called: KMT2D-Related Kabuki Syndrome. Identifiers: Orphanet 2322, MedGen CN030661, MONDO:0007843, OMIM 147920.
Kabuki syndrome. Also called: NIIKAWA-KUROKI SYNDROME; Kabuki make-up syndrome. Identifiers: Orphanet 2322, MedGen C0796004, MONDO:0016512.

Allele frequency attached by ClinVar (database versions not stated): gnomAD exomes below 0.00001; gnomAD 0.00001; TOPMed 0.00001; ExAC 0.00002.

Submissions (3):

Fulgent Genetics
Classification: Uncertain significance for Kabuki syndrome 1; Choanal atresia-athelia-hypothyroidism-delayed puberty-short stature syndrome. Last evaluated: 2024-06-17. Review status: criteria provided, single submitter. Criteria: ACMG Guidelines, 2015. Collection method: clinical testing. Allele origin: germline.

Labcorp Genetics (formerly Invitae), Labcorp
Classification: Benign for Kabuki syndrome. Last evaluated: 2024-02-14. Review status: criteria provided, single submitter. Criteria: Invitae Variant Classification Sherloc (09022015). Collection method: clinical testing. Allele origin: germline.

GeneDx
Classification: Uncertain significance. Last evaluated: 2021-06-14. Review status: criteria provided, single submitter. Criteria: GeneDx Variant Classification Process June 2021. Collection method: clinical testing. Allele origin: germline. Affected: yes.
Comment: Has not been previously published as pathogenic or benign to our knowledge; In silico analysis supports that this missense variant does not alter protein structure/function; This variant is associated with the following publications: (PMID: 27535533)